The following is an entry in ClinVar:

ClinVar aggregate classification (germline): Uncertain significance (1 of 4 stars; one submission).

gnomAD v4.1: 29 of 1,613,698 alleles (0.0018%); highest among the groups gnomAD compares: African/African-American, 0.008%; no homozygotes.

Submission:

Women's Health and Genetics/Laboratory Corporation of America, LabCorp
Classification: Uncertain significance. Last evaluated: 2025-12-15. Review status: criteria provided, single submitter. Criteria: LabCorp Variant Classification Summary - May 2015. Collection method: clinical testing. Allele origin: germline.
Comment: Variant summary: TTN c.87529G>A (p.Val29177Met) results in a conservative amino acid change in the encoded protein sequence. Algorithms developed to predict the effect of missense changes on protein structure and function are either unavailable or do not agree on the potential impact of this missense change. The variant allele was found at a frequency of 3.2e-05 in 248490 control chromosomes. The available data on variant occurrences in the general population are insufficient to allow any conclusion about variant significance. To our knowledge, no occurrence of c.87529G>A in individuals affected with TTN-related conditions and no experimental evidence demonstrating its impact on protein function have been reported. No submitters have cited clinical-significance assessments for this variant to ClinVar. Based on the evidence outlined above, the variant was classified as uncertain significance.

NM_001267550.2(TTN):c.95233G>A (p.Val31745Met)

Genes: TTN (titin; minus strand), TTN-AS1 (TTN antisense RNA 1; plus strand). Cytogenetic location: 2q31.2.
Variant type: single nucleotide variant.
Coding change: c.95233G>A on transcript NM_001267550.2 (MANE Select); coding-DNA position 95233, G replaced by A.
Protein change: p.Val31745Met; replaces valine 31745 with methionine.
Molecular consequence: missense variant.
Genome position (GRCh38, 1-based): chr2:178,546,003, C>T on the plus strand (G>A on the coding strand, the complement: TTN is on the minus strand). VCF-style: chr2-178546003-C-T. GRCh37 (hg19) VCF-style: chr2-179410730-C-T.
Other names: c.90310G>A, p.Val30104Met (NM_001256850.1); c.68038G>A, p.Val22680Met (NM_003319.4); c.87529G>A, p.Val29177Met (NM_133378.4); c.68413G>A, p.Val22805Met (NM_133432.3); c.68614G>A, p.Val22872Met (NM_133437.4); short protein forms V22680M, V22805M, V22872M, V29177M, V30104M, V31745M.
Identifiers: ClinVar variation 4688314 (VCV004688314.1).